The following is an entry in ClinVar:

NM_001261826.3(AP3D1):c.3536G>A (p.Cys1179Tyr)

Gene: AP3D1 (adaptor related protein complex 3 subunit delta 1; minus strand). Cytogenetic location: 19p13.3.
Variant type: single nucleotide variant.
Coding change: c.3536G>A on transcript NM_001261826.3 (MANE Select); coding-DNA position 3536, G replaced by A.
Protein change: p.Cys1179Tyr; replaces cysteine 1179 with tyrosine.
Molecular consequence: missense variant.
Genome position (GRCh38, 1-based): chr19:2,108,703, C>T on the plus strand (G>A on the coding strand, the complement: AP3D1 is on the minus strand). VCF-style: chr19-2108703-C-T. GRCh37 (hg19) VCF-style: chr19-2108702-C-T.
Other names: c.3500G>A, p.Cys1167Tyr (NM_001374799.1); c.3350G>A, p.Cys1117Tyr (NM_003938.8); short protein forms C1167Y, C1117Y, C1179Y.
Identifiers: ClinVar variation 2849160 (VCV002849160.3), dbSNP rs2512121559, ClinGen allele CA403199433.
Genomic context (GRCh38, chr19:2,108,703, plus strand): 5'-AGAGGTGGCAGGAGCCAGGGTGTGCACAGCAGCCCGAGGCTCACCTTTTTCACCAGGAGG[C>T]AGACATGGTGGCCCTGGATGGAGCGGCTGTACATGGAGGCGCAGGAGTCCACTCGCTCCA-3'
Protein context (NP_001248755.1, residues 1169-1189): YSRSIQGHHV[Cys1179Tyr]LLVKKGENSV

ClinVar aggregate classification (germline): Uncertain significance (1 of 4 stars; one submission).

Submission:

Labcorp Genetics (formerly Invitae), Labcorp
Classification: Uncertain significance. Last evaluated: 2024-12-02. Review status: criteria provided, single submitter. Criteria: Invitae Variant Classification Sherloc (09022015). Collection method: clinical testing. Allele origin: germline.
Comment: This sequence change replaces cysteine, which is neutral and slightly polar, with tyrosine, which is neutral and polar, at codon 1179 of the AP3D1 protein (p.Cys1179Tyr). This variant is not present in population databases (gnomAD no frequency). This variant has not been reported in the literature in individuals affected with AP3D1-related conditions. ClinVar contains an entry for this variant (Variation ID: 2849160). An algorithm developed to predict the effect of missense changes on protein structure and function (PolyPhen-2) suggests that this variant is likely to be tolerated. In summary, the available evidence is currently insufficient to determine the role of this variant in disease. Therefore, it has been classified as a Variant of Uncertain Significance.